The following is an entry in ClinVar:

NM_000246.4(CIITA):c.1321C>T (p.Arg441Trp)

Gene: CIITA (class II major histocompatibility complex transactivator; plus strand). Cytogenetic location: 16p13.13.
Variant type: single nucleotide variant.
Coding change: c.1321C>T on transcript NM_000246.4 (MANE Select); coding-DNA position 1321, C replaced by T.
Protein change: p.Arg441Trp; replaces arginine 441 with tryptophan.
Molecular consequence: missense variant. On other transcripts: intron variant (1).
Genome position (GRCh38, 1-based): chr16:10,906,813, C>T. VCF-style: chr16-10906813-C-T. GRCh37 (hg19) VCF-style: chr16-11000670-C-T.
Other names: c.1324C>T, p.Arg442Trp (NM_001286402.1, NM_001379332.1); c.1177C>T, p.Arg393Trp (NM_001379330.1); c.1174C>T, p.Arg392Trp (NM_001379331.1); c.1321C>T, p.Arg441Trp (NM_001379333.1); c.1252C>T, p.Arg418Trp (NM_001379334.1); c.859+2001C>T (NM_001286403.2); short protein forms R441W, R442W, R418W, R392W, R393W.
Identifiers: ClinVar variation 1896643 (VCV001896643.2), dbSNP rs1430455427, ClinGen allele CA394730252.
Genomic context (GRCh38, chr16:10,906,813, plus strand): 5'-AAAGCTGGTCAGGGCAAGAGCTATTGGGCTGGGGCAGTGAGCCGGGCCTGGGCTTGTGGC[C>T]GGCTTCCCCAGTACGACTTTGTCTTCTCTGTCCCCTGCCATTGCTTGAACCGTCCGGGGG-3'
Protein context (NP_000237.2, residues 431-451): GAVSRAWACG[Arg441Trp]LPQYDFVFSV

ClinVar aggregate classification (germline): Uncertain significance (1 of 4 stars; one submission).

Conditions:
MHC class II deficiency. Also called: Bare lymphocyte syndrome 2; BLS, TYPE II. Identifiers: Orphanet 572, MedGen C5447452, MONDO:0008855.

Allele frequency attached by ClinVar (database versions not stated): gnomAD 0.00001.
gnomAD v4.1: 13 of 1,612,572 alleles (0.00081%); highest among the groups gnomAD compares: African/African-American, 0.004%; no homozygotes.

Submission:

Labcorp Genetics (formerly Invitae), Labcorp
Classification: Uncertain significance for MHC class II deficiency. Last evaluated: 2022-06-02. Review status: criteria provided, single submitter. Criteria: Invitae Variant Classification Sherloc (09022015). Collection method: clinical testing. Allele origin: germline.
Comment: This sequence change replaces arginine, which is basic and polar, with tryptophan, which is neutral and slightly polar, at codon 441 of the CIITA protein (p.Arg441Trp). This variant is not present in population databases (gnomAD no frequency). This variant has not been reported in the literature in individuals affected with CIITA-related conditions. Algorithms developed to predict the effect of missense changes on protein structure and function are either unavailable or do not agree on the potential impact of this missense change (SIFT: "Deleterious"; PolyPhen-2: "Possibly Damaging"; Align-GVGD: "Class C0"). In summary, the available evidence is currently insufficient to determine the role of this variant in disease. Therefore, it has been classified as a Variant of Uncertain Significance.